The following is an entry in ClinVar:

NM_001365536.1(SCN9A):c.174G>A (p.Gln58=)

Gene: SCN9A (sodium voltage-gated channel alpha subunit 9; minus strand). Cytogenetic location: 2q24.3.
Variant type: single nucleotide variant.
Coding change: c.174G>A on transcript NM_001365536.1 (MANE Select); coding-DNA position 174, G replaced by A.
Protein change: p.Gln58=; no amino-acid change (glutamine 58 retained).
Molecular consequence: synonymous variant.
Genome position (GRCh38, 1-based): chr2:166,311,583, C>T on the plus strand (G>A on the coding strand, the complement: SCN9A is on the minus strand). VCF-style: chr2-166311583-C-T. GRCh37 (hg19) VCF-style: chr2-167168093-C-T.
Other names: p.Gln58=; c.174G>A, p.Gln58= (NM_002977.4).
Identifiers: ClinVar variation 130259 (VCV000130259.30), dbSNP rs6432901, ClinGen allele CA155116.

ClinVar aggregate classification (germline): Benign/Likely benign. Review status: criteria provided, multiple submitters, no conflicts (2 of 4 stars). 18 submissions from 14 submitters: Benign (13); Likely benign (1). 4 of the submissions do not count toward it. Last evaluated 2026-02-04.

Conditions:
Neuropathy, hereditary sensory and autonomic, type 2A (HSAN2A). Also called: WNK1-Related HSAN2 (HSAN2A); HSAN IIA; MORVAN DISEASE; NEUROPATHY, CONGENITAL SENSORY; NEUROPATHY, HEREDITARY SENSORY RADICULAR, AUTOSOMAL RECESSIVE; NEUROPATHY, HEREDITARY SENSORY, TYPE IIA. Identifiers: Orphanet 970, MedGen C2752089, MONDO:0024309, OMIM 201300.
Generalized epilepsy with febrile seizures plus, type 7 (GEFSP7). Also called: GEFS+, TYPE 7. Identifiers: Orphanet 36387, MedGen C2751778, MONDO:0013470, OMIM 613863.
Paroxysmal extreme pain disorder (PEXPD). Also called: SCN9A Paroxysmal Extreme Pain Disorder (SCN9A-PEPD); PAIN, SUBMANDIBULAR, OCULAR, AND RECTAL, WITH FLUSHING; RECTAL PAIN, FAMILIAL. Identifiers: Orphanet 46348, MedGen C1833661, MONDO:0008179, OMIM 167400.
Channelopathy-associated congenital insensitivity to pain, autosomal recessive. Also called: Insensitivity to pain, channelopathy-associated; ASYMBOLIA FOR PAIN; CONGENITAL ANALGESIA, AUTOSOMAL RECESSIVE. Identifiers: Orphanet 88642, Orphanet 970, MedGen C1855739, MONDO:0009459, OMIM 243000.
Primary erythromelalgia. Also called: SCN9A Erythromelalgia (SCN9A-EM); primary erythermalgia. Identifiers: Orphanet 306577, Orphanet 90026, MedGen C0014805, MONDO:0007571, OMIM 133020.

Allele frequency attached by ClinVar (database versions not stated): 1000 Genomes Project 0.57428; gnomAD exomes 0.57570 and 0.61828; 1000 Genomes Project 30x 0.58510; ExAC 0.58740; gnomAD 0.63691 and 0.64588; TOPMed 0.63951; ESP Exome Variant Server 0.67691.
gnomAD v4.1: 999,246 of 1,612,054 alleles (62%); highest among the groups gnomAD compares: African/African-American, 75%; 313,422 homozygotes.

Submissions (18):

Labcorp Genetics (formerly Invitae), Labcorp
Classification: Benign for Neuropathy, hereditary sensory and autonomic, type 2A; Generalized epilepsy with febrile seizures plus, type 7. Last evaluated: 2026-02-04. Review status: criteria provided, single submitter. Criteria: Invitae Variant Classification Sherloc (09022015). Collection method: clinical testing. Allele origin: germline.

Blueprint Genetics
Classification: Likely benign. Last evaluated: 2024-11-26. Review status: criteria provided, single submitter. Criteria: ACMG Guidelines, 2015. Collection method: clinical testing. Allele origin: germline.

Unidad de Genómica Garrahan, Hospital de Pediatría Garrahan
Classification: Benign. Last evaluated: 2024-07-15. Review status: criteria provided, single submitter. Criteria: ACMG Guidelines, 2015. Collection method: clinical testing. Allele origin: germline. Affected: no. Observed: 68 variant alleles.
Comment: This variant is classified as Benign based on local population frequency. This variant was detected in 73% of patients studied in a panel designed for Epileptic and Developmental Encephalopathy and Progressive Myoclonus Epilepsy. Number of patients: 68. Only high quality variants are reported.

Genome-Nilou Lab
Classification: Benign for Primary erythromelalgia. Last evaluated: 2021-07-15. Review status: criteria provided, single submitter. Criteria: ACMG Guidelines, 2015. Collection method: clinical testing. Allele origin: germline. Affected: no.

Genome-Nilou Lab
Classification: Benign for Channelopathy-associated congenital insensitivity to pain, autosomal recessive. Last evaluated: 2021-07-15. Review status: criteria provided, single submitter. Criteria: ACMG Guidelines, 2015. Collection method: clinical testing. Allele origin: germline. Affected: no.

Genome-Nilou Lab
Classification: Benign for Paroxysmal extreme pain disorder. Last evaluated: 2021-07-15. Review status: criteria provided, single submitter. Criteria: ACMG Guidelines, 2015. Collection method: clinical testing. Allele origin: germline. Affected: no.

Athena Diagnostics
Classification: Benign. Last evaluated: 2018-05-06. Review status: criteria provided, single submitter. Criteria: Athena Diagnostics Criteria. Collection method: clinical testing. Allele origin: germline.

Mayo Clinic Laboratories, Mayo Clinic
Classification: Benign. Last evaluated: 2018-03-12. Review status: criteria provided, single submitter. Criteria: ACMG Guidelines, 2015. Collection method: clinical testing. Allele origin: germline. Observed: 1,651 variant alleles.

Illumina Laboratory Services, Illumina
Classification: Benign for Primary erythromelalgia. Last evaluated: 2018-01-12. Review status: criteria provided, single submitter. Criteria: ICSL Variant Classification Criteria 13 December 2019. Collection method: clinical testing. Allele origin: germline.
Comment: This variant was observed in the ICSL laboratory as part of a predisposition screen in an ostensibly healthy population. It had not been previously curated by ICSL or reported in the Human Gene Mutation Database (HGMD: prior to June 1st, 2018), and was therefore a candidate for classification through an automated scoring system. Utilizing variant allele frequency, disease prevalence and penetrance estimates, and inheritance mode, an automated score was calculated to assess if this variant is too frequent to cause the disease. Based on the score and internal cut-off values, a variant classified as benign is not then subjected to further curation. The score for this variant resulted in a classification of benign for this disease.

Illumina Laboratory Services, Illumina
Classification: Benign for Channelopathy-associated congenital insensitivity to pain, autosomal recessive. Last evaluated: 2018-01-12. Review status: criteria provided, single submitter. Criteria: ICSL Variant Classification Criteria 13 December 2019. Collection method: clinical testing. Allele origin: germline.
Comment: the same text as in the submission from Illumina Laboratory Services, Illumina above.

Illumina Laboratory Services, Illumina
Classification: Benign for Paroxysmal extreme pain disorder. Last evaluated: 2018-01-12. Review status: criteria provided, single submitter. Criteria: ICSL Variant Classification Criteria 13 December 2019. Collection method: clinical testing. Allele origin: germline.
Comment: the same text as in the submission from Illumina Laboratory Services, Illumina above.

GeneDx
Classification: Benign. Last evaluated: 2015-03-03. Review status: criteria provided, single submitter. Criteria: GeneDx Variant Classification Process June 2021. Collection method: clinical testing. Allele origin: germline. Affected: yes.

Breakthrough Genomics
Classification: Benign. Review status: criteria provided, single submitter. Criteria: ACMG Guidelines, 2015. Collection method: not provided. Allele origin: germline. Inheritance: Autosomal recessive inheritance. Affected: yes.

PreventionGenetics, part of Exact Sciences
Classification: Benign. Review status: criteria provided, single submitter. Criteria: ACMG Guidelines, 2015. Collection method: clinical testing. Allele origin: germline.

Clinical Genetics, Academic Medical Center
Classification: Benign. Review status: no assertion criteria provided. Collection method: clinical testing. Allele origin: germline. Affected: yes. Study: VKGL Data-share Consensus. Not counted in ClinVar's aggregate classification.

Diagnostic Laboratory, Department of Genetics, University Medical Center Groningen
Classification: Benign. Review status: no assertion criteria provided. Collection method: clinical testing. Allele origin: germline. Affected: yes. Study: VKGL Data-share Consensus. Not counted in ClinVar's aggregate classification.

Genetic Services Laboratory, University of Chicago
Classification: Likely benign for AllHighlyPenetrant. Review status: no assertion criteria provided. Collection method: clinical testing. Allele origin: germline. Inheritance: Autosomal dominant inheritance. Not counted in ClinVar's aggregate classification.
Comment: Likely benign based on allele frequency in 1000 Genomes Project or ESP global frequency and its presence in a patient with a rare or unrelated disease phenotype. NOT Sanger confirmed.

Genome Diagnostics Laboratory, University Medical Center Utrecht
Classification: Benign. Review status: no assertion criteria provided. Collection method: clinical testing. Allele origin: germline. Affected: yes. Study: VKGL Data-share Consensus. Not counted in ClinVar's aggregate classification.